The following is an entry in ClinVar:

ClinVar aggregate classification (germline): Likely benign. Review status: criteria provided, multiple submitters, no conflicts (2 of 4 stars). 4 submissions from 4 submitters: Likely benign (3). 1 of the submissions does not count toward it. Last evaluated 2025-04-21.

Conditions:
DNAJC5-related disorder. Also called: DNAJC5-related condition.
Neuronal ceroid lipofuscinosis. Also called: Neuronal Ceroid Lipofuscinoses. Identifiers: Orphanet 216, Orphanet 79263, MedGen C0027877, MONDO:0016295. Disease mechanism: loss of function.

Allele frequency attached by ClinVar (database versions not stated): TOPMed 0.00002; 1000 Genomes Project 30x 0.00016; 1000 Genomes Project 0.00020.

Submissions (4):

Labcorp Genetics (formerly Invitae), Labcorp
Classification: Likely benign for Neuronal ceroid lipofuscinosis. Last evaluated: 2025-04-21. Review status: criteria provided, single submitter. Criteria: Invitae Variant Classification Sherloc (09022015). Collection method: clinical testing. Allele origin: germline.

Blueprint Genetics
Classification: Likely benign. Last evaluated: 2024-09-06. Review status: criteria provided, single submitter. Criteria: ACMG Guidelines, 2015. Collection method: clinical testing. Allele origin: germline.

GeneDx
Classification: Likely benign. Last evaluated: 2019-08-08. Review status: criteria provided, single submitter. Criteria: GeneDx Variant Classification Process June 2021. Collection method: clinical testing. Allele origin: germline. Affected: yes.

PreventionGenetics, part of Exact Sciences
Classification: Likely benign for DNAJC5-related condition. Last evaluated: 2024-06-26. Review status: no assertion criteria provided. Collection method: clinical testing. Allele origin: germline. Not counted in ClinVar's aggregate classification.
Comment: This variant is classified as likely benign based on ACMG/AMP sequence variant interpretation guidelines (Richards et al. 2015 PMID: 25741868, with internal and published modifications).

NM_025219.3(DNAJC5):c.420G>A (p.Ala140=)

Gene: DNAJC5 (DnaJ heat shock protein family (Hsp40) member C5; plus strand). Cytogenetic location: 20q13.33.
Variant type: single nucleotide variant.
Coding change: c.420G>A on transcript NM_025219.3 (MANE Select); coding-DNA position 420, G replaced by A.
Protein change: p.Ala140=; no amino-acid change (alanine 140 retained).
Molecular consequence: synonymous variant.
Genome position (GRCh38, 1-based): chr20:63,930,949, G>A. VCF-style: chr20-63930949-G-A. GRCh37 (hg19) VCF-style: chr20-62562302-G-A.
Identifiers: ClinVar variation 527768 (VCV000527768.14), dbSNP rs568985915, ClinGen allele CA9969742.